The following is an entry in ClinVar:

ClinVar aggregate classification (germline): Uncertain significance (1 of 4 stars; one submission).

Submission:

GeneDx
Classification: Uncertain significance. Last evaluated: 2024-10-14. Review status: criteria provided, single submitter. Criteria: GeneDx Variant Classification Process June 2021. Collection method: clinical testing. Allele origin: germline. Affected: yes.
Comment: Not observed at significant frequency in large population cohorts (gnomAD); Canonical splice site variant in a gene or region of a gene for which loss of function is not a well-established mechanism of disease; Has not been previously published as pathogenic or benign to our knowledge

NM_001128840.3(CACNA1D):c.2406+1G>A

Gene: CACNA1D (calcium voltage-gated channel subunit alpha1 D; plus strand). Cytogenetic location: 3p21.1.
Variant type: single nucleotide variant.
Coding change: c.2406+1G>A on transcript NM_001128840.3 (MANE Select); the canonical splice donor site of the intron after coding-DNA position 2406, G replaced by A.
Molecular consequence: splice donor variant.
Genome position (GRCh38, 1-based): chr3:53,731,147, G>A. VCF-style: chr3-53731147-G-A. GRCh37 (hg19) VCF-style: chr3-53765174-G-A.
Other names: c.2406+1G>A (NM_001128839.3); c.2466+1G>A (NM_000720.4).
Identifiers: ClinVar variation 3777596 (VCV003777596.1).